The following is an entry in ClinVar:

NM_020366.4(RPGRIP1):c.2367+24C>T

Gene: RPGRIP1 (RPGR interacting protein 1; plus strand). Cytogenetic location: 14q11.2.
Variant type: single nucleotide variant.
Coding change: c.2367+24C>T on transcript NM_020366.4 (MANE Select); 24 bases into the intron after coding-DNA position 2367, C replaced by T.
Molecular consequence: intron variant.
Genome position (GRCh38, 1-based): chr14:21,325,407, C>T. VCF-style: chr14-21325407-C-T. GRCh37 (hg19) VCF-style: chr14-21793566-C-T.
Other names: c.1293+24C>T (NM_001377948.1); c.796+682C>T (NM_001377949.1); c.689-2216C>T (NM_001377523.1, NM_001377950.1); c.191-2216C>T (NM_001377951.1).
Identifiers: ClinVar variation 3045021 (VCV003045021.2), dbSNP rs370401840, ClinGen allele CA7089232.
Genomic context (GRCh38, chr14:21,325,407, plus strand): 5'-CGATGTGCTTGGAGGCCGGAAGGCCCAGGAAGAGGAGGTGAGAAAAAAGATGTGCCGAGG[C>T]ATCTCAGAGGAGCCTCAGCCAAACAGCTCATGAGCACAGTTCAGTCTTCCACTCTCAATA-3'

ClinVar aggregate classification (germline): Likely benign (0 of 4 stars; one submission).

Conditions:
RPGRIP1-related disorder. Also called: RPGRIP1-related condition.

Allele frequency attached by ClinVar (database versions not stated): gnomAD 0.00005; TOPMed 0.00005; ESP Exome Variant Server 0.00008; gnomAD exomes 0.00009; ExAC 0.00021.
gnomAD v4.1: 130 of 1,553,250 alleles (0.0084%); highest among the groups gnomAD compares: South Asian, 0.031%; 1 homozygote.

Submission:

PreventionGenetics, part of Exact Sciences
Classification: Likely benign for RPGRIP1-related condition. Last evaluated: 2019-10-25. Review status: no assertion criteria provided. Collection method: clinical testing. Allele origin: germline.
Comment: This variant is classified as likely benign based on ACMG/AMP sequence variant interpretation guidelines (Richards et al. 2015 PMID: 25741868, with internal and published modifications).